The following is an entry in ClinVar:

ClinVar aggregate classification (germline): Uncertain significance (1 of 4 stars; one submission).

gnomAD v4.1: 1 of 1,536,182 alleles (0.000065%); highest among the groups gnomAD compares: East Asian, 0.0024%; no homozygotes.

Submission:

GeneDx
Classification: Uncertain significance. Last evaluated: 2024-06-27. Review status: criteria provided, single submitter. Criteria: GeneDx Variant Classification Process June 2021. Collection method: clinical testing. Allele origin: germline. Affected: yes.
Comment: Not observed at significant frequency in large population cohorts (gnomAD); In silico analysis indicates that this missense variant does not alter protein structure/function; Has not been previously published as pathogenic or benign to our knowledge

NM_001195263.2(PDZD7):c.2474C>T (p.Pro825Leu)

Gene: PDZD7 (PDZ domain containing 7; minus strand). Cytogenetic location: 10q24.31.
Variant type: single nucleotide variant.
Coding change: c.2474C>T on transcript NM_001195263.2 (MANE Select); coding-DNA position 2474, C replaced by T.
Protein change: p.Pro825Leu; replaces proline 825 with leucine.
Molecular consequence: missense variant.
Genome position (GRCh38, 1-based): chr10:101,010,415, G>A on the plus strand (C>T on the coding strand, the complement: PDZD7 is on the minus strand). VCF-style: chr10-101010415-G-A. GRCh37 (hg19) VCF-style: chr10-102770172-G-A.
Other names: short protein forms P825L.
Identifiers: ClinVar variation 3392737 (VCV003392737.1).